The following is an entry in ClinVar:

ClinVar aggregate classification (germline): Uncertain significance (1 of 4 stars; one submission).

Conditions:
Desbuquois dysplasia 1 (DBQD1). Also called: MICROMELIC DWARFISM WITH VERTEBRAL AND METAPHYSEAL ABNORMALITIES AND ADVANCED CARPOTARSAL OSSIFICATION; DESBUQUOIS DYSPLASIA 1, KIM VARIANT. Identifiers: Orphanet 1425, MedGen C4012146, MONDO:0009629, OMIM 251450.

Submission:

Labcorp Genetics (formerly Invitae), Labcorp
Classification: Uncertain significance for Desbuquois dysplasia 1. Last evaluated: 2020-05-05. Review status: criteria provided, single submitter. Criteria: Invitae Variant Classification Sherloc (09022015). Collection method: clinical testing. Allele origin: germline.
Comment: The frequency data for this variant in the population databases is considered unreliable, as metrics indicate insufficient coverage at this position in the ExAC database. This sequence change replaces leucine with valine at codon 116 of the XYLT1 protein (p.Leu116Val). The leucine residue is weakly conserved and there is a small physicochemical difference between leucine and valine. This variant has not been reported in the literature in individuals with XYLT1-related conditions. In summary, the available evidence is currently insufficient to determine the role of this variant in disease. Therefore, it has been classified as a Variant of Uncertain Significance. Algorithms developed to predict the effect of missense changes on protein structure and function (SIFT, PolyPhen-2, Align-GVGD) all suggest that this variant is likely to be tolerated, but these predictions have not been confirmed by published functional studies and their clinical significance is uncertain.

NM_022166.4(XYLT1):c.346C>G (p.Leu116Val)

Gene: XYLT1 (xylosyltransferase 1; minus strand). Cytogenetic location: 16p12.3.
Variant type: single nucleotide variant.
Coding change: c.346C>G on transcript NM_022166.4 (MANE Select); coding-DNA position 346, C replaced by G.
Protein change: p.Leu116Val; replaces leucine 116 with valine.
Molecular consequence: missense variant.
Genome position (GRCh38, 1-based): chr16:17,470,451, G>C on the plus strand (C>G on the coding strand, the complement: XYLT1 is on the minus strand). VCF-style: chr16-17470451-G-C. GRCh37 (hg19) VCF-style: chr16-17564308-G-C.
Other names: short protein forms L116V.
Identifiers: ClinVar variation 1015306 (VCV001015306.8), dbSNP rs2036970723, ClinGen allele CA395219906.